The following is an entry in ClinVar:

ClinVar aggregate classification (germline): Likely benign (0 of 4 stars; one submission).

Conditions:
BCL10-related disorder. Also called: BCL10-related condition.

Allele frequency attached by ClinVar (database versions not stated): gnomAD 0.00001; gnomAD exomes 0.00001; ExAC 0.00002; TOPMed 0.00003.
gnomAD v4.1: 17 of 1,613,244 alleles (0.0011%); highest among the groups gnomAD compares: Admixed American, 0.017%; no homozygotes.

Submission:

PreventionGenetics, part of Exact Sciences
Classification: Likely benign for BCL10-related condition. Last evaluated: 2019-05-23. Review status: no assertion criteria provided. Collection method: clinical testing. Allele origin: germline.
Comment: This variant is classified as likely benign based on ACMG/AMP sequence variant interpretation guidelines (Richards et al. 2015 PMID: 25741868, with internal and published modifications).

NM_003921.5(BCL10):c.285G>C (p.Leu95=)

Gene: BCL10 (BCL10 immune signaling adaptor; minus strand). Cytogenetic location: 1p22.3.
Variant type: single nucleotide variant.
Coding change: c.285G>C on transcript NM_003921.5 (MANE Select); coding-DNA position 285, G replaced by C.
Protein change: p.Leu95=; no amino-acid change (leucine 95 retained).
Molecular consequence: synonymous variant.
Genome position (GRCh38, 1-based): chr1:85,270,679, C>G on the plus strand (G>C on the coding strand, the complement: BCL10 is on the minus strand). VCF-style: chr1-85270679-C-G. GRCh37 (hg19) VCF-style: chr1-85736362-C-G.
Other names: c.285G>C, p.Leu95= (NM_001320715.2).
Identifiers: ClinVar variation 3038573 (VCV003038573.2), dbSNP rs780017880, ClinGen allele CA929786.